The following is an entry in ClinVar:

ClinVar aggregate classification (germline): Uncertain significance (1 of 4 stars; one submission).

gnomAD v4.1: 1 of 1,614,176 alleles (0.000062%); no homozygotes.

Submission:

Labcorp Genetics (formerly Invitae), Labcorp
Classification: Uncertain significance. Last evaluated: 2022-04-10. Review status: criteria provided, single submitter. Criteria: Invitae Variant Classification Sherloc (09022015). Collection method: clinical testing. Allele origin: germline.
Comment: This sequence change replaces glutamic acid, which is acidic and polar, with aspartic acid, which is acidic and polar, at codon 1065 of the RBP3 protein (p.Glu1065Asp). Algorithms developed to predict the effect of missense changes on protein structure and function (SIFT, PolyPhen-2, Align-GVGD) all suggest that this variant is likely to be disruptive. This variant has not been reported in the literature in individuals affected with RBP3-related conditions. This variant is not present in population databases (gnomAD no frequency). In summary, the available evidence is currently insufficient to determine the role of this variant in disease. Therefore, it has been classified as a Variant of Uncertain Significance.

NM_002900.3(RBP3):c.3195G>C (p.Glu1065Asp)

Gene: RBP3 (retinol binding protein 3; plus strand). Cytogenetic location: 10q11.22.
Variant type: single nucleotide variant.
Coding change: c.3195G>C on transcript NM_002900.3 (MANE Select); coding-DNA position 3195, G replaced by C.
Protein change: p.Glu1065Asp; replaces glutamic acid 1065 with aspartic acid.
Molecular consequence: missense variant.
Genome position (GRCh38, 1-based): chr10:47,353,465, G>C. VCF-style: chr10-47353465-G-C. GRCh37 (hg19) VCF-style: chr10-48385897-C-G.
Other names: short protein forms E1065D.
Identifiers: ClinVar variation 2124419 (VCV002124419.2), dbSNP rs2549030236, ClinGen allele CA376676566.